The following is an entry in ClinVar:

NM_005751.5(AKAP9):c.3612G>A (p.Gln1204=)

Gene: AKAP9 (A-kinase anchoring protein 9; plus strand). Cytogenetic location: 7q21.2.
Variant type: single nucleotide variant.
Coding change: c.3612G>A on transcript NM_005751.5 (MANE Select); coding-DNA position 3612, G replaced by A.
Protein change: p.Gln1204=; no amino-acid change (glutamine 1204 retained).
Molecular consequence: synonymous variant.
Genome position (GRCh38, 1-based): chr7:92,014,328, G>A. VCF-style: chr7-92014328-G-A. GRCh37 (hg19) VCF-style: chr7-91643642-G-A.
Other names: NC_000007.13:g.91643642G>A; c.3612G>A, p.Gln1204= (NM_147185.3).
Identifiers: ClinVar variation 3225047 (VCV003225047.2), dbSNP rs760961518, ClinGen allele CA4336340.
Genomic context (GRCh38, chr7:92,014,328, plus strand): 5'-ACATCTGCTCATTGGAAAACTTCAAAAGGCAGTGTCTGAAGAATGTTCTTATTTTTTACA[G>A]GTAAAATGTTTAAAAGTACTTTTATGGCCAGATGTGGTGGCTGACACTTATAATCCCAGC-3'
Protein context (NP_005742.4, residues 1194-1214): AVSEECSYFL[Gln1204=]TLCSVLGEYY

ClinVar aggregate classification (germline): Uncertain significance (1 of 4 stars; one submission).

Conditions:
Cardiovascular phenotype. Identifiers: MedGen CN230736.

Allele frequency attached by ClinVar (database versions not stated): ExAC 0.00001.
gnomAD v4.1: 2 of 1,605,302 alleles (0.00012%); highest among the groups gnomAD compares: Non-Finnish European, 0.00017%; no homozygotes.

Submissions (2):

Ambry Genetics
Classification: Uncertain significance for Cardiovascular phenotype. Last evaluated: 2024-02-15. Review status: criteria provided, single submitter. Criteria: Ambry Variant Classification Scheme 2023. Collection method: clinical testing. Allele origin: germline.
Comment: The c.3612G>A variant (also known as p.Q1204Q), located in coding exon 10 of the AKAP9 gene, results from a G to A substitution at nucleotide position 3612. This nucleotide substitution does not change the glutamine at codon 1204. However, this change occurs in the last base pair of coding exon 10, which makes it likely to have some effect on normal mRNA splicing. This nucleotide position is well conserved in available vertebrate species. In silico splice site analysis predicts that this alteration will weaken the native splice donor site. The evidence for this gene-disease relationship is limited; therefore, the clinical significance of this alteration is unclear.

Dr. Peter K. Rogan Lab, Western University
No classification provided (evidence only). Condition: Cervical cancer. Review status: no classification provided. Collection method: in vitro. Allele origin: not applicable. Functional consequence: skipped exon. Not counted in ClinVar's aggregate classification.